The following is an entry in ClinVar:

ClinVar aggregate classification (germline): Uncertain significance (1 of 4 stars; one submission).

Submission:

Labcorp Genetics (formerly Invitae), Labcorp
Classification: Uncertain significance. Last evaluated: 2026-01-25. Review status: criteria provided, single submitter. Criteria: Invitae Variant Classification Sherloc (09022015). Collection method: clinical testing. Allele origin: germline.
Comment: This sequence change replaces methionine, which is neutral and non-polar, with valine, which is neutral and non-polar, at codon 88 of the ATIC protein (p.Met88Val). This variant is present in population databases (rs369513149, gnomAD 0.03%), including at least one homozygous and/or hemizygous individual. This variant has not been reported in the literature in individuals affected with ATIC-related conditions. Invitae Evidence Modeling of protein sequence and biophysical properties (such as structural, functional, and spatial information, amino acid conservation, physicochemical variation, residue mobility, and thermodynamic stability) indicates that this missense variant is not expected to disrupt ATIC protein function with a negative predictive value of 80%. In summary, the available evidence is currently insufficient to determine the role of this variant in disease. Therefore, it has been classified as a Variant of Uncertain Significance.

NM_004044.7(ATIC):c.262A>G (p.Met88Val)

Gene: ATIC (5-aminoimidazole-4-carboxamide ribonucleotide formyltransferase/IMP cyclohydrolase; plus strand). Cytogenetic location: 2q35.
Variant type: single nucleotide variant.
Coding change: c.262A>G on transcript NM_004044.7 (MANE Select); coding-DNA position 262, A replaced by G.
Protein change: p.Met88Val; replaces methionine 88 with valine.
Molecular consequence: missense variant.
Genome position (GRCh38, 1-based): chr2:215,319,703, A>G. VCF-style: chr2-215319703-A-G. GRCh37 (hg19) VCF-style: chr2-216184426-A-G.
Other names: short protein forms M88V.
Identifiers: ClinVar variation 4705409 (VCV004705409.1).
Genomic context (GRCh38, chr2:215,319,703, plus strand): 5'-TTGTTTAACTTTTTTAAATTAGGAATCCTAGCTCGTAATATTCCAGAAGATAATGCTGAC[A>G]TGGCCAGACTTGATTTCAATCTTATAAGGTAAAAACCTGAAATTAAACTTTTAACACATT-3'
Protein context (NP_004035.2, residues 78-98): ARNIPEDNAD[Met88Val]ARLDFNLIRV